The following is an entry in ClinVar:

NM_001122752.2(SERPINI1):c.40A>G (p.Ser14Gly)

Gene: SERPINI1 (serpin family I member 1; plus strand). Cytogenetic location: 3q26.1.
Variant type: single nucleotide variant.
Coding change: c.40A>G on transcript NM_001122752.2 (MANE Select); coding-DNA position 40, A replaced by G.
Protein change: p.Ser14Gly; replaces serine 14 with glycine.
Molecular consequence: missense variant.
Genome position (GRCh38, 1-based): chr3:167,789,168, A>G. VCF-style: chr3-167789168-A-G. GRCh37 (hg19) VCF-style: chr3-167506956-A-G.
Other names: c.40A>G, p.Ser14Gly (NM_005025.5); short protein forms S14G.
Identifiers: ClinVar variation 344119 (VCV000344119.20), dbSNP rs61735307, ClinGen allele CA2694710.

ClinVar aggregate classification (germline): Benign/Likely benign. Review status: criteria provided, multiple submitters, no conflicts (2 of 4 stars). 7 submissions from 7 submitters: Benign (5); Likely benign (1). 1 of the submissions does not count toward it. Last evaluated 2026-01-28.

Conditions:
SERPINI1-related disorder. Also called: SERPINI1-related condition.
Familial encephalopathy with neuroserpin inclusion bodies. Also called: ENCEPHALOPATHY, FAMILIAL, WITH COLLINS BODIES. Identifiers: Orphanet 85110, MedGen C1858680, MONDO:0011412, OMIM 604218.

Allele frequency attached by ClinVar (database versions not stated): gnomAD exomes 0.00068; ExAC 0.00086; gnomAD 0.00225 and 0.00240; TOPMed 0.00246; 1000 Genomes Project 0.00280; 1000 Genomes Project 30x 0.00281; ESP Exome Variant Server 0.00377.
gnomAD v4.1: 680 of 1,614,172 alleles (0.042%); highest among the groups gnomAD compares: African/African-American, 0.81%; 6 homozygotes.

Submissions (8):

Labcorp Genetics (formerly Invitae), Labcorp
Classification: Benign for Familial encephalopathy with neuroserpin inclusion bodies. Last evaluated: 2026-01-28. Review status: criteria provided, single submitter. Criteria: Invitae Variant Classification Sherloc (09022015). Collection method: clinical testing. Allele origin: germline.

Blueprint Genetics
Classification: Likely benign. Last evaluated: 2024-11-11. Review status: criteria provided, single submitter. Criteria: ACMG Guidelines, 2015. Collection method: clinical testing. Allele origin: germline.

ARUP Laboratories, Molecular Genetics and Genomics, ARUP Laboratories
Classification: Benign for Familial encephalopathy with neuroserpin inclusion bodies. Last evaluated: 2023-12-19. Review status: criteria provided, single submitter. Criteria: ARUP Molecular Germline Variant Investigation Process 2024. Collection method: clinical testing. Allele origin: germline.

Illumina Laboratory Services, Illumina
Classification: Benign for Familial encephalopathy with neuroserpin inclusion bodies. Last evaluated: 2018-01-13. Review status: criteria provided, single submitter. Criteria: ICSL Variant Classification Criteria 13 December 2019. Collection method: clinical testing. Allele origin: germline.
Comment: This variant was observed in the ICSL laboratory as part of a predisposition screen in an ostensibly healthy population. It had not been previously curated by ICSL or reported in the Human Gene Mutation Database (HGMD: prior to June 1st, 2018), and was therefore a candidate for classification through an automated scoring system. Utilizing variant allele frequency, disease prevalence and penetrance estimates, and inheritance mode, an automated score was calculated to assess if this variant is too frequent to cause the disease. Based on the score and internal cut-off values, a variant classified as benign is not then subjected to further curation. The score for this variant resulted in a classification of benign for this disease.

Athena Diagnostics
Classification: Benign. Last evaluated: 2016-11-23. Review status: criteria provided, single submitter. Criteria: Athena Diagnostics Criteria. Collection method: clinical testing. Allele origin: germline.

Breakthrough Genomics
Classification: Benign. Review status: criteria provided, single submitter. Criteria: ACMG Guidelines, 2015. Collection method: not provided. Allele origin: germline. Inheritance: Autosomal dominant inheritance. Affected: yes.

PreventionGenetics, part of Exact Sciences
Classification: Benign for SERPINI1-related condition. Last evaluated: 2024-07-01. Review status: no assertion criteria provided. Collection method: clinical testing. Allele origin: germline. Not counted in ClinVar's aggregate classification.
Comment: This variant is classified as benign based on ACMG/AMP sequence variant interpretation guidelines (Richards et al. 2015 PMID: 25741868, with internal and published modifications).

Dr. Peter K. Rogan Lab, Western University
No classification provided (evidence only). Condition: Uterine corpus endometrial carcinoma. Review status: no classification provided. Collection method: in vitro. Allele origin: not applicable. Functional consequence: retained intron. Not counted in ClinVar's aggregate classification.